The following is an entry in ClinVar:

NM_139242.4(MTFMT):c.881C>G (p.Ser294Ter)

Gene: MTFMT (mitochondrial methionyl-tRNA formyltransferase; minus strand). Cytogenetic location: 15q22.31.
Variant type: single nucleotide variant.
Coding change: c.881C>G on transcript NM_139242.4 (MANE Select); coding-DNA position 881, C replaced by G.
Protein change: p.Ser294Ter; replaces serine 294 with a stop codon.
Molecular consequence: nonsense.
Genome position (GRCh38, 1-based): chr15:65,006,124, G>C on the plus strand (C>G on the coding strand, the complement: MTFMT is on the minus strand). VCF-style: chr15-65006124-G-C. GRCh37 (hg19) VCF-style: chr15-65298462-G-C.
Other names: short protein forms S294*.
Identifiers: ClinVar variation 2987175 (VCV002987175.3), dbSNP rs2506149766, ClinGen allele CA392846967.

ClinVar aggregate classification (germline): Pathogenic (1 of 4 stars; one submission).

Allele frequency attached by ClinVar (database versions not stated): gnomAD exomes below 0.00001.
gnomAD v4.1: 1 of 1,612,318 alleles (0.000062%); highest among the groups gnomAD compares: Admixed American, 0.0017%; no homozygotes.

Submission:

Labcorp Genetics (formerly Invitae), Labcorp
Classification: Pathogenic. Last evaluated: 2023-11-25. Review status: criteria provided, single submitter. Criteria: Invitae Variant Classification Sherloc (09022015). Collection method: clinical testing. Allele origin: germline.
Comment: This sequence change creates a premature translational stop signal (p.Ser294*) in the MTFMT gene. It is expected to result in an absent or disrupted protein product. Loss-of-function variants in MTFMT are known to be pathogenic (PMID: 21907147, 24461907). This variant is not present in population databases (gnomAD no frequency). This variant has not been reported in the literature in individuals affected with MTFMT-related conditions. Algorithms developed to predict the effect of sequence changes on RNA splicing suggest that this variant may disrupt the consensus splice site. For these reasons, this variant has been classified as Pathogenic.

Literature cited by the submitters: PubMed 21907147; PubMed 24461907.